The following is an entry in ClinVar:

NM_138713.4(NFAT5):c.2285C>T (p.Ser762Leu)

Gene: NFAT5 (nuclear factor of activated T cells 5; plus strand). Cytogenetic location: 16q22.1.
Variant type: single nucleotide variant.
Coding change: c.2285C>T on transcript NM_138713.4 (MANE Select); coding-DNA position 2285, C replaced by T.
Protein change: p.Ser762Leu; replaces serine 762 with leucine.
Molecular consequence: missense variant.
Genome position (GRCh38, 1-based): chr16:69,692,110, C>T. VCF-style: chr16-69692110-C-T. GRCh37 (hg19) VCF-style: chr16-69726013-C-T.
Other names: c.2282C>T, p.Ser761Leu (NM_001113178.3); c.1610C>T, p.Ser537Leu (NM_001367709.1); c.2231C>T, p.Ser744Leu (NM_006599.4); c.2003C>T, p.Ser668Leu (NM_138714.4, NM_173214.3, NM_173215.3); short protein forms S668L, S744L, S761L, S537L, S762L.
Identifiers: ClinVar variation 1041778 (VCV001041778.9), dbSNP rs750941750, ClinGen allele CA8135744.
Genomic context (GRCh38, chr16:69,692,110, plus strand): 5'-CAGATGGTACAGTGGTTAATTTGTCACAACTGACTGAGGCATCACAACAACAGCAGCAGT[C>T]ACCACTACAAGAACAAGCACAGACTTTACAGCAGCAGATTTCATCAAATATTTTTCCATC-3'
Protein context (NP_619727.2, residues 752-772): LTEASQQQQQ[Ser762Leu]PLQEQAQTLQ

ClinVar aggregate classification (germline): Uncertain significance (1 of 4 stars; one submission).

Conditions:
Immunodeficiency. Identifiers: MedGen C0021051, MONDO:0021094, HP:0002721.

Allele frequency attached by ClinVar (database versions not stated): gnomAD exomes below 0.00001 and 0.00001; ExAC 0.00001; TOPMed 0.00001.
gnomAD v4.1: 13 of 1,614,132 alleles (0.00081%); highest among the groups gnomAD compares: Middle Eastern, 0.033%; no homozygotes.

Submission:

Labcorp Genetics (formerly Invitae), Labcorp
Classification: Uncertain significance for Immunodeficiency. Last evaluated: 2024-02-24. Review status: criteria provided, single submitter. Criteria: Invitae Variant Classification Sherloc (09022015). Collection method: clinical testing. Allele origin: germline.
Comment: This sequence change replaces serine, which is neutral and polar, with leucine, which is neutral and non-polar, at codon 668 of the NFAT5 protein (p.Ser668Leu). This variant is present in population databases (rs750941750, gnomAD no frequency). This variant has not been reported in the literature in individuals affected with NFAT5-related conditions. ClinVar contains an entry for this variant (Variation ID: 1041778). An algorithm developed to predict the effect of missense changes on protein structure and function (PolyPhen-2) suggests that this variant is likely to be tolerated. In summary, the available evidence is currently insufficient to determine the role of this variant in disease. Therefore, it has been classified as a Variant of Uncertain Significance.